The following is an entry in ClinVar:

ClinVar aggregate classification (germline): Pathogenic (1 of 4 stars; one submission).

Conditions:
Microphthalmia, isolated, with coloboma 3 (MCOPCB3). Also called: MICROPHTHALMIA/COLOBOMA 3; MICROPHTHALMIA, COLOBOMATOUS, 3. Identifiers: Orphanet 98938, MedGen C1864721, MONDO:0012408, OMIM 610092.

Submission:

Myriad Genetics, Inc.
Classification: Pathogenic for Microphthalmia, isolated, with coloboma 3. Last evaluated: 2024-05-14. Review status: criteria provided, single submitter. Criteria: Myriad Autosomal Dominant, Autosomal Recessive and X-Linked Classification Criteria (2023). Collection method: clinical testing. Allele origin: unknown.
Comment: NM_182894.2(VSX2):c.233_234ins17(G80Sfs*67) is expected to be pathogenic in the context of microphthalmia, anophthalmia, and coloboma, VSX2-related. This variant is predicted to lead to an abnormal or absent protein product due to the creation of a premature termination codon in VSX2, a gene where loss-of-function variants are known to be pathogenic. Please note: this variant was assessed in the context of healthy population screening.

NM_182894.3(VSX2):c.233_234insACTGTCTCTTATACACA (p.Gly80fs)

Gene: VSX2 (visual system homeobox 2; plus strand). Cytogenetic location: 14q24.3.
Variant type: Insertion.
Coding change: c.233_234insACTGTCTCTTATACACA on transcript NM_182894.3 (MANE Select); coding-DNA positions 233 to 234, ACTGTCTCTTATACACA inserted.
Protein change: p.Gly80fs; shifts the reading frame from glycine 80.
Molecular consequence: frameshift variant.
Genome position: GRCh38 VCF-style: chr14-74239794-T-TACTGTCTCTTATACACA. GRCh37 (hg19) VCF-style: chr14-74706497-T-TACTGTCTCTTATACACA.
Other names: short protein forms G80fs.
Identifiers: ClinVar variation 5011160 (VCV005011160.1).